The following is an entry in ClinVar:

ClinVar aggregate classification (germline): Pathogenic/Likely pathogenic. Review status: criteria provided, multiple submitters, no conflicts (2 of 4 stars). 2 submissions from 2 submitters: Pathogenic (1); Likely pathogenic (1). Last evaluated 2023-06-17.

Conditions:
Sandestig-stefanova syndrome. Identifiers: MedGen C5394118, MONDO:0032926, OMIM 618804.

Submissions (2):

Division of Medical Genetics, Department of Pediatrics, All India Institute of Medical Sciences, New Delhi
Classification: Likely pathogenic for Sandestig-stefanova syndrome. Last evaluated: 2023-06-17. Review status: criteria provided, single submitter. Criteria: ACMG Guidelines, 2015. Collection method: research. Allele origin: germline. Affected: yes.

Labcorp Genetics (formerly Invitae), Labcorp
Classification: Pathogenic. Last evaluated: 2022-07-05. Review status: criteria provided, single submitter. Criteria: Invitae Variant Classification Sherloc (09022015). Collection method: clinical testing. Allele origin: germline.
Comment: This sequence change creates a premature translational stop signal (p.Ser1126Cysfs*9) in the NUP188 gene. It is expected to result in an absent or disrupted protein product. Loss-of-function variants in NUP188 are known to be pathogenic (PMID: 32021605, 32275884). This variant is not present in population databases (gnomAD no frequency). This variant has not been reported in the literature in individuals affected with NUP188-related conditions. For these reasons, this variant has been classified as Pathogenic.

Literature cited by the submitters: PubMed 32021605 (cited by Labcorp Genetics (formerly Invitae), Labcorp); PubMed 32275884 (cited by Labcorp Genetics (formerly Invitae), Labcorp).

NM_015354.3(NUP188):c.3377_3378del (p.Ser1126fs)

Gene: NUP188 (nucleoporin 188; plus strand). Cytogenetic location: 9q34.11.
Variant type: Microsatellite.
Coding change: c.3377_3378del on transcript NM_015354.3 (MANE Select); coding-DNA positions 3377 to 3378, 2 bases deleted (CT; older notation c.3377_3378delCT).
Protein change: p.Ser1126fs; shifts the reading frame from serine 1126.
Molecular consequence: frameshift variant.
Genome position (GRCh38, 1-based): chr9:128,998,176-128,998,177, CT deleted; deleting any 2 consecutive bases within chr9:128,998,174-128,998,177 gives the same sequence; the c. name uses the placement nearest the transcript's 3' end. VCF-style (leftmost placement, unchanged base first): chr9-128998173-ACT-A. GRCh37 (hg19) VCF-style: chr9-131760452-ACT-A.
Other names: c.3375_3376del (NM_015354.2); short protein forms S1126fs.
Identifiers: ClinVar variation 2181970 (VCV002181970.2), dbSNP rs2492120046, ClinGen allele CA2580617108.